The following is an entry in ClinVar:

ClinVar aggregate classification (germline): Uncertain significance (1 of 4 stars; one submission).

Submission:

GeneDx
Classification: Uncertain significance. Last evaluated: 2023-11-17. Review status: criteria provided, single submitter. Criteria: GeneDx Variant Classification Process June 2021. Collection method: clinical testing. Allele origin: germline. Affected: yes.
Comment: Frameshift variant predicted to result in protein truncation or nonsense mediated decay in a gene or region of a gene for which loss of function is not a well-established mechanism of disease; Not observed at significant frequency in large population cohorts (gnomAD); Has not been previously published as pathogenic or benign to our knowledge

NM_003054.6(SLC18A2):c.167_168del (p.Asn56fs)

Gene: SLC18A2 (solute carrier family 18 member A2; plus strand). Cytogenetic location: 10q25.3.
Variant type: Deletion.
Coding change: c.167_168del on transcript NM_003054.6 (MANE Select); coding-DNA positions 167 to 168, 2 bases deleted (AT; older notation c.167_168delAT).
Protein change: p.Asn56fs; shifts the reading frame from asparagine 56.
Molecular consequence: frameshift variant.
Genome position (GRCh38, 1-based): chr10:117,244,016-117,244,017, AT deleted. VCF-style (leftmost placement, unchanged base first): chr10-117244015-AAT-A. GRCh37 (hg19) VCF-style: chr10-119003526-AAT-A.
Other names: short protein forms N56fs.
Identifiers: ClinVar variation 3364329 (VCV003364329.1).